The following is an entry in ClinVar:

NM_014679.5(CEP57):c.386T>C (p.Leu129Pro)

Gene: CEP57 (centrosomal protein 57; plus strand). Cytogenetic location: 11q21.
Variant type: single nucleotide variant.
Coding change: c.386T>C on transcript NM_014679.5 (MANE Select); coding-DNA position 386, T replaced by C.
Protein change: p.Leu129Pro; replaces leucine 129 with proline.
Molecular consequence: missense variant.
Genome position (GRCh38, 1-based): chr11:95,813,471, T>C. VCF-style: chr11-95813471-T-C. GRCh37 (hg19) VCF-style: chr11-95546635-T-C.
Other names: c.305T>C, p.Leu102Pro (NM_001440869.1, NM_001440870.1, NM_001440875.1 and 3 more transcripts); c.386T>C, p.Leu129Pro (NM_001440871.1, NM_001440872.1, NM_001440874.1 and 4 more transcripts); c.206T>C, p.Leu69Pro (NM_001440873.1, NM_001440881.1); c.359T>C, p.Leu120Pro (NM_001243776.2); c.125T>C, p.Leu42Pro (NM_001440880.1); short protein forms L102P, L120P, L69P, L42P, L129P.
Identifiers: ClinVar variation 5034363 (VCV005034363.1).
Genomic context (GRCh38, chr11:95,813,471, plus strand): 5'-TGTTAAAACTATTTTATGGGTGAGTTGATTTCTGCTTTTCTTATGTATTCTTTTTAGAAC[T>C]GACATCTCAGTTGTTAGCTGCAGAAAATAAATGCAATCTATTAGAAAAACAATTGGAATA-3'
Protein context (NP_055494.2, residues 119-139): KNEESKHNQE[Leu129Pro]TSQLLAAENK

ClinVar aggregate classification (germline): Uncertain significance (1 of 4 stars; one submission).

Conditions:
Inborn genetic diseases. Identifiers: MedGen C0950123, MeSH D030342.

gnomAD v4.1: 2 of 1,611,580 alleles (0.00012%); highest among the groups gnomAD compares: East Asian, 0.0045%; no homozygotes.

Submission:

Ambry Genetics
Classification: Uncertain significance for Inborn genetic diseases. Last evaluated: 2026-06-27. Review status: criteria provided, single submitter. Criteria: Ambry Variant Classification Scheme 2023. Collection method: clinical testing. Allele origin: germline.
Comment: The p.L129P variant (also known as c.386T>C), located in coding exon 4 of the CEP57 gene, results from a T to C substitution at nucleotide position 386. The leucine at codon 129 is replaced by proline, an amino acid with similar properties. This amino acid position is conserved. In addition, this alteration is predicted to be deleterious by in silico analysis. Based on the available evidence, the clinical significance of this variant remains unclear.